The following is an entry in ClinVar:

ClinVar aggregate classification (germline): Likely benign. Review status: criteria provided, multiple submitters, no conflicts (2 of 4 stars). 5 submissions from 5 submitters: Likely benign (5). Last evaluated 2024-06-25.

Conditions:
Familial thoracic aortic aneurysm and aortic dissection (TAAD). Also called: Thoracic aortic aneurysms and dissections. Identifiers: Orphanet 91387, MedGen C4707243, MONDO:0019625.
Aortic aneurysm, familial thoracic 4 (AAT4). Also called: AORTIC ANEURYSM/AORTIC DISSECTION AND PATENT DUCTUS ARTERIOSUS. Identifiers: MedGen C1851504, MONDO:0007568, OMIM 132900.

Allele frequency attached by ClinVar (database versions not stated): gnomAD exomes below 0.00001; TOPMed 0.00001.
gnomAD v4.1: 7 of 1,614,060 alleles (0.00043%); highest among the groups gnomAD compares: Admixed American, 0.0017%; no homozygotes.

Submissions (5):

Labcorp Genetics (formerly Invitae), Labcorp
Classification: Likely benign for Aortic aneurysm, familial thoracic 4. Last evaluated: 2024-06-25. Review status: criteria provided, single submitter. Criteria: Invitae Variant Classification Sherloc (09022015). Collection method: clinical testing. Allele origin: germline.

Ambry Genetics
Classification: Likely benign for Familial thoracic aortic aneurysm and aortic dissection. Last evaluated: 2023-06-05. Review status: criteria provided, single submitter. Criteria: Ambry Variant Classification Scheme 2023. Collection method: clinical testing. Allele origin: germline.

Color Diagnostics, LLC DBA Color Health
Classification: Likely benign for Familial thoracic aortic aneurysm and aortic dissection. Last evaluated: 2022-11-06. Review status: criteria provided, single submitter. Criteria: ACMG Guidelines, 2015. Collection method: clinical testing. Allele origin: germline.

Women's Health and Genetics/Laboratory Corporation of America, LabCorp
Classification: Likely benign. Last evaluated: 2021-11-08. Review status: criteria provided, single submitter. Criteria: LabCorp Variant Classification Summary - May 2015. Collection method: clinical testing. Allele origin: germline.
Comment: Variant summary: MYH11 c.555C>T alters a conserved nucleotide resulting in a synonymous change. The variant allele was found at a frequency of 4e-06 in 251258 control chromosomes. The available data on variant occurrences in the general population are insufficient to allow any conclusion about variant significance. To our knowledge, no occurrence of c.555C>T in individuals affected with Thoracic Aortic Aneurysms And Dissections and no experimental evidence demonstrating its impact on protein function have been reported. One clinical diagnostic laboratory has submitted clinical-significance assessments for this variant to ClinVar after 2014 without evidence for independent evaluation, and classified the variant as likely benign. Based on the evidence outlined above, the variant was classified as likely benign.

Blueprint Genetics
Classification: Likely benign. Last evaluated: 2021-09-02. Review status: criteria provided, single submitter. Criteria: ACMG Guidelines, 2015. Collection method: clinical testing. Allele origin: germline.

NM_002474.3(MYH11):c.555C>T (p.Thr185=)

Gene: MYH11 (myosin heavy chain 11; minus strand). Cytogenetic location: 16p13.11.
Variant type: single nucleotide variant.
Coding change: c.555C>T on transcript NM_002474.3 (MANE Select); coding-DNA position 555, C replaced by T.
Protein change: p.Thr185=; no amino-acid change (threonine 185 retained).
Molecular consequence: synonymous variant.
Genome position (GRCh38, 1-based): chr16:15,786,708, G>A on the plus strand (C>T on the coding strand, the complement: MYH11 is on the minus strand). VCF-style: chr16-15786708-G-A. GRCh37 (hg19) VCF-style: chr16-15880565-G-A.
Other names: c.555C>T (NM_002474.2); c.555C>T, p.Thr185= (NM_001040113.2, NM_001040114.2, NM_022844.3).
Identifiers: ClinVar variation 1100633 (VCV001100633.13), dbSNP rs1266756941, ClinGen allele CA493782294.